The following is an entry in ClinVar:

NM_000465.4(BARD1):c.1000A>G (p.Lys334Glu)

Gene: BARD1 (BRCA1 associated RING domain 1; minus strand). Cytogenetic location: 2q35.
Variant type: single nucleotide variant.
Coding change: c.1000A>G on transcript NM_000465.4 (MANE Select); coding-DNA position 1000, A replaced by G.
Protein change: p.Lys334Glu; replaces lysine 334 with glutamic acid.
Molecular consequence: missense variant. On other transcripts: non-coding transcript variant (2), intron variant (3).
Genome position (GRCh38, 1-based): chr2:214,780,874, T>C on the plus strand (A>G on the coding strand, the complement: BARD1 is on the minus strand). VCF-style: chr2-214780874-T-C. GRCh37 (hg19) VCF-style: chr2-215645598-T-C.
Other names: c.943A>G, p.Lys315Glu (NM_001282543.2); c.159-28319A>G (NM_001282548.2); c.215+16187A>G (NM_001282545.2); c.364+11423A>G (NM_001282549.2); short protein forms K315E, K334E.
Identifiers: ClinVar variation 1026001 (VCV001026001.7), dbSNP rs1694972991, ClinGen allele CA350454442.

ClinVar aggregate classification (germline): Uncertain significance (1 of 4 stars; one submission).

Conditions:
Familial cancer of breast. Also called: Hereditary breast cancer; hereditary breast carcinoma; BREAST CANCER, FAMILIAL. Identifiers: Orphanet 227535, MedGen C0346153, MONDO:0016419, OMIM 114480. Disease mechanism: loss of function.

Submission:

Labcorp Genetics (formerly Invitae), Labcorp
Classification: Uncertain significance for Familial cancer of breast. Last evaluated: 2021-12-17. Review status: criteria provided, single submitter. Criteria: Invitae Variant Classification Sherloc (09022015). Collection method: clinical testing. Allele origin: germline.
Comment: This variant has not been reported in the literature in individuals affected with BARD1-related conditions. In summary, the available evidence is currently insufficient to determine the role of this variant in disease. Therefore, it has been classified as a Variant of Uncertain Significance. Algorithms developed to predict the effect of missense changes on protein structure and function are either unavailable or do not agree on the potential impact of this missense change (SIFT: "Tolerated"; PolyPhen-2: "Possibly Damaging"; Align-GVGD: "Class C0"). ClinVar contains an entry for this variant (Variation ID: 1026001). This variant is not present in population databases (gnomAD no frequency). This sequence change replaces lysine, which is basic and polar, with glutamic acid, which is acidic and polar, at codon 334 of the BARD1 protein (p.Lys334Glu).